The following is an entry in ClinVar:

NM_001943.5(DSG2):c.1796G>T (p.Cys599Phe)

Gene: DSG2 (desmoglein 2; plus strand). Cytogenetic location: 18q12.1.
Variant type: single nucleotide variant.
Coding change: c.1796G>T on transcript NM_001943.5 (MANE Select); coding-DNA position 1796, G replaced by T.
Protein change: p.Cys599Phe; replaces cysteine 599 with phenylalanine.
Molecular consequence: missense variant.
Genome position (GRCh38, 1-based): chr18:31,538,895, G>T. VCF-style: chr18-31538895-G-T. GRCh37 (hg19) VCF-style: chr18-29118858-G-T.
Other names: short protein forms C599F.
Identifiers: ClinVar variation 2909633 (VCV002909633.4), dbSNP rs2073248799, ClinGen allele CA402137788.

ClinVar aggregate classification (germline): Uncertain significance. Review status: criteria provided, multiple submitters, no conflicts (2 of 4 stars). 2 submissions from 2 submitters: Uncertain significance (2). Last evaluated 2025-02-12.

Conditions:
Arrhythmogenic right ventricular dysplasia 10. Also called: ARRHYTHMOGENIC RIGHT VENTRICULAR DYSPLASIA, FAMILIAL, 10; Arrhythmogenic Right Ventricular Dysplasia/Cardiomyopathy10; Arrhythmogenic right ventricular dysplasia/cardiomyopathy, type 10. Identifiers: MedGen C1857777, MONDO:0012434, OMIM 610193.
Arrhythmogenic right ventricular cardiomyopathy (ARVD). Also called: Arrhythmogenic right ventricular dysplasia; Cardiomyopathy, ARVC; Arrhythmogenic cardiomyopathy; Arrhythmogenic Right Ventricular Cardiomyopathy (ARVC). Identifiers: Orphanet 247, MedGen C0349788, MeSH D019571, MONDO:0016587. Disease mechanism: loss of function. Inheritance: Various modes of inheritance.

Allele frequency attached by ClinVar (database versions not stated): TOPMed below 0.00001; gnomAD 0.00001.
gnomAD v4.1: 1 of 1,614,052 alleles (0.000062%); highest among the groups gnomAD compares: African/African-American, 0.0013%; no homozygotes.

Submissions (2):

Labcorp Genetics (formerly Invitae), Labcorp
Classification: Uncertain significance for Arrhythmogenic right ventricular dysplasia 10. Last evaluated: 2025-02-12. Review status: criteria provided, single submitter. Criteria: Invitae Variant Classification Sherloc (09022015). Collection method: clinical testing. Allele origin: germline.
Comment: This sequence change replaces cysteine, which is neutral and slightly polar, with phenylalanine, which is neutral and non-polar, at codon 599 of the DSG2 protein (p.Cys599Phe). This variant is not present in population databases (gnomAD no frequency). This variant has not been reported in the literature in individuals affected with DSG2-related conditions. ClinVar contains an entry for this variant (Variation ID: 2909633). Invitae Evidence Modeling of protein sequence and biophysical properties (such as structural, functional, and spatial information, amino acid conservation, physicochemical variation, residue mobility, and thermodynamic stability) has been performed for this missense variant. However, the output from this modeling did not meet the statistical confidence thresholds required to predict the impact of this variant on DSG2 protein function. In summary, the available evidence is currently insufficient to determine the role of this variant in disease. Therefore, it has been classified as a Variant of Uncertain Significance.

All of Us Research Program, National Institutes of Health
Classification: Uncertain significance for Arrhythmogenic right ventricular cardiomyopathy. Last evaluated: 2023-04-27. Review status: criteria provided, single submitter. Criteria: ACMG Guidelines, 2015. Collection method: clinical testing. Allele origin: germline. Inheritance: Autosomal dominant inheritance. Observed: 1 variant allele, 1 heterozygote.
Comment: This study involves interpretation of variants in research participants for the purpose of population health screening. Participant phenotype was not available at the time of variant classification. Additional details can be found in publication PMID: 35346344, PMCID: PMC8962531